The following is an entry in ClinVar:

ClinVar aggregate classification (germline): Pathogenic/Likely pathogenic. Review status: criteria provided, multiple submitters, no conflicts (2 of 4 stars). 2 submissions from 2 submitters: Pathogenic (1); Likely pathogenic (1). Last evaluated 2025-03-20.

Conditions:
Intellectual developmental disorder, X-linked 1. Also called: Atkin Flaitz Patil Smith syndrome; MENTAL RETARDATION, X-LINKED 18; MENTAL RETARDATION, X-LINKED 78; Intellectual disability, X-linked 1. Identifiers: Orphanet 777, MedGen C2931498, MONDO:0010656, OMIM 309530.

Submissions (2):

GeneDx
Classification: Likely pathogenic. Last evaluated: 2025-03-20. Review status: criteria provided, single submitter. Criteria: GeneDx Variant Classification Process June 2021. Collection method: clinical testing. Allele origin: germline. Affected: yes.
Comment: Frameshift variant predicted to result in abnormal protein length as the last 47 amino acids are replaced with 52 different amino acids, and other similar variants have been reported in HGMD; Not observed at significant frequency in large population cohorts (gnomAD); Has not been previously published as pathogenic or benign to our knowledge

Labcorp Genetics (formerly Invitae), Labcorp
Classification: Pathogenic for Intellectual developmental disorder, X-linked 1. Last evaluated: 2024-09-27. Review status: criteria provided, single submitter. Criteria: Invitae Variant Classification Sherloc (09022015). Collection method: clinical testing. Allele origin: germline.
Comment: This sequence change results in a frameshift in the IQSEC2 gene (p.Pro1442Hisfs*53). While this is not anticipated to result in nonsense mediated decay, it is expected to disrupt the last 47 amino acid(s) of the IQSEC2 protein and extend the protein by 5 additional amino acid residues. The frequency data for this variant in the population databases is considered unreliable, as metrics indicate insufficient coverage at this position in the gnomAD database. This variant has not been reported in the literature in individuals affected with IQSEC2-related conditions. This variant results in an extension of the IQSEC2 protein. Other variant(s) that result in a similarly extended protein product (p.Lys1480Argfs*17) have been determined to be pathogenic (internal data). This suggests that these extensions are likely to be disease-causing. For these reasons, this variant has been classified as Pathogenic.

NM_001111125.3(IQSEC2):c.4325del (p.Pro1442fs)

Gene: IQSEC2 (IQ motif and Sec7 domain ArfGEF 2; minus strand). Cytogenetic location: Xp11.22.
Variant type: Deletion.
Coding change: c.4325del on transcript NM_001111125.3 (MANE Select); coding-DNA position 4325, one base deleted (C; older notation c.4325delC).
Protein change: p.Pro1442fs; shifts the reading frame from proline 1442.
Molecular consequence: frameshift variant. On other transcripts: 3 prime UTR variant (2).
Genome position (GRCh38, 1-based): chrX:53,234,361, G deleted on the plus strand (C on the coding strand, the reverse complement: IQSEC2 is on the minus strand); the first of 6 consecutive G bases (chrX:53,234,361-53,234,366); deleting any one gives the same sequence. VCF-style (leftmost placement, unchanged base first): chrX-53234360-TG-T. GRCh37 (hg19) VCF-style: chrX-53263542-TG-T.
Other names: c.*810del (NM_001410736.1, NM_015075.2); c.4325del (NM_001111125.1); short protein forms P1442fs.
Identifiers: ClinVar variation 3721553 (VCV003721553.3).